The following is an entry in ClinVar:

NM_001033855.3(DCLRE1C):c.465-1G>T

Gene: DCLRE1C (DNA cross-link repair 1C; minus strand). Cytogenetic location: 10p13.
Variant type: single nucleotide variant.
Coding change: c.465-1G>T on transcript NM_001033855.3 (MANE Select); the canonical splice acceptor site of the intron before coding-DNA position 465, G replaced by T.
Molecular consequence: splice acceptor variant.
Genome position (GRCh38, 1-based): chr10:14,934,776, C>A on the plus strand (G>T on the coding strand, the complement: DCLRE1C is on the minus strand). VCF-style: chr10-14934776-C-A. GRCh37 (hg19) VCF-style: chr10-14976775-C-A.
Other names: c.120-1G>T (NM_001350966.2, NM_001289078.2, NM_001289076.2 and 1 more transcripts); c.465-1G>T (NM_001350965.2); c.105-1G>T (NM_001350967.2, NM_001289077.2, NM_001289079.2 and 2 more transcripts).
Identifiers: ClinVar variation 4065785 (VCV004065785.2).
Genomic context (GRCh38, chr10:14,934,776, plus strand): 5'-TGGTAAAATCTTGGATCACAGAACGTAGTATCCAAATATACACTTTGGATGTCTTTGACT[C>A]TGAAAAGAAAAAAAATTGATGTTAGCCATCCAATGTGATATAAATTATGTGTAACTTTTT-3'

ClinVar aggregate classification (germline): Pathogenic (1 of 4 stars; one submission).

Conditions:
Athabaskan severe combined immunodeficiency (SCIDA). Also called: Severe combined immunodeficiency, athabascan-type. Identifiers: MedGen C1865370.

Submission:

Natera, Inc.
Classification: Pathogenic for Athabascan severe combined immunodeficiency. Last evaluated: 2025-03-11. Review status: criteria provided, single submitter. Criteria: Natera Variant Classification Schema (03/2026). Collection method: clinical testing. Allele origin: germline.
Comment: The c.465-1G>T variant in DCLRE1C is a canonical splice acceptor site variant predicted to affect pre-mRNA splicing, which may result in an abnormal transcript and altered protein product. This variant is expected to result in nonsense mediated decay, truncation, or a dysfunctional protein product. This variant is rare in the general population with a frequency below the threshold expected for the associated phenotype(s). Another variant at this same site results in an alteration predicted to cause a similar molecular effect has been observed in individual(s) with the associated phenotype. Given the available evidence, this variant is classified as Pathogenic.